The following is an entry in ClinVar:

NM_001374828.1(ARID1B):c.4061G>A (p.Ser1354Asn)

Gene: ARID1B (AT-rich interaction domain 1B; plus strand). Cytogenetic location: 6q25.3.
Variant type: single nucleotide variant.
Coding change: c.4061G>A on transcript NM_001374828.1 (MANE Select); coding-DNA position 4061, G replaced by A.
Protein change: p.Ser1354Asn; replaces serine 1354 with asparagine.
Molecular consequence: missense variant.
Genome position (GRCh38, 1-based): chr6:157,190,040, G>A. VCF-style: chr6-157190040-G-A. GRCh37 (hg19) VCF-style: chr6-157511174-G-A.
Other names: c.1562G>A, p.Ser521Asn (NM_001363725.2); c.3941G>A, p.Ser1314Asn (NM_001371656.1, NM_001374820.1); c.3902G>A, p.Ser1301Asn (NM_017519.3); short protein forms S1301N, S521N, S1314N, S1354N.
Identifiers: ClinVar variation 3666007 (VCV003666007.3).
Genomic context (GRCh38, chr6:157,190,040, plus strand): 5'-ACTGTTTGGAGGTAACTCCTGCTGTATCATTAAGCTTTCATTCTTTGCCTCTCTTCAGAA[G>A]CAGTACAATCAGTGTGCACGACCCATTCTCAGATGTGAGTGATTCATCCTTCCCGAAACG-3'
Protein context (NP_001361757.1, residues 1344-1364): GQMTPMQGGR[Ser1354Asn]STISVHDPFS

ClinVar aggregate classification (germline): Conflicting classifications of pathogenicity. Review status: criteria provided, conflicting classifications (1 of 4 stars). 2 submissions from 2 submitters: Uncertain significance (1); Likely benign (1). Last evaluated 2024-09-16.

gnomAD v4.1: 33 of 1,613,694 alleles (0.002%); highest among the groups gnomAD compares: East Asian, 0.042%; no homozygotes.

Submissions (2):

Labcorp Genetics (formerly Invitae), Labcorp
Classification: Uncertain significance. Last evaluated: 2024-09-16. Review status: criteria provided, single submitter. Criteria: Invitae Variant Classification Sherloc (09022015). Collection method: clinical testing. Allele origin: germline.
Comment: This sequence change replaces serine, which is neutral and polar, with asparagine, which is neutral and polar, at codon 1231 of the ARID1B protein (p.Ser1231Asn). This variant is present in population databases (rs574296429, gnomAD 0.08%), and has an allele count higher than expected for a pathogenic variant. This variant has not been reported in the literature in individuals affected with ARID1B-related conditions. An algorithm developed to predict the effect of missense changes on protein structure and function outputs the following: PolyPhen-2: "Benign". The asparagine amino acid residue is found in multiple mammalian species, which suggests that this missense change does not adversely affect protein function. In summary, the available evidence is currently insufficient to determine the role of this variant in disease. Therefore, it has been classified as a Variant of Uncertain Significance.

Blueprint Genetics
Classification: Likely benign. Last evaluated: 2022-02-09. Review status: criteria provided, single submitter. Criteria: ACMG Guidelines, 2015. Collection method: clinical testing. Allele origin: germline.